The following is an entry in ClinVar:

NM_004998.4(MYO1E):c.2481-12A>G

Gene: MYO1E (myosin IE; minus strand). Cytogenetic location: 15q22.2.
Variant type: single nucleotide variant.
Coding change: c.2481-12A>G on transcript NM_004998.4 (MANE Select); 12 bases into the intron before coding-DNA position 2481, A replaced by G.
Molecular consequence: intron variant.
Genome position (GRCh38, 1-based): chr15:59,163,315, T>C on the plus strand (A>G on the coding strand, the complement: MYO1E is on the minus strand). VCF-style: chr15-59163315-T-C. GRCh37 (hg19) VCF-style: chr15-59455514-T-C.
Other names: c.2481-12A>G (NM_004998.2).
Identifiers: ClinVar variation 974434 (VCV000974434.3), dbSNP rs370209627, ClinGen allele CA7589206.

ClinVar aggregate classification (germline): Conflicting classifications of pathogenicity. Review status: criteria provided, conflicting classifications (1 of 4 stars). 2 submissions from 2 submitters: Likely pathogenic (1); Uncertain significance (1). Last evaluated 2023-08-07.

Conditions:
Inborn genetic diseases. Identifiers: MedGen C0950123, MeSH D030342.
Focal segmental glomerulosclerosis 6 (FSGS6). Identifiers: Orphanet 656, MedGen C3279905, MONDO:0013589, OMIM 614131.

Allele frequency attached by ClinVar (database versions not stated): gnomAD exomes 0.00001; TOPMed 0.00001; ExAC 0.00001; gnomAD 0.00001; ESP Exome Variant Server 0.00008.
gnomAD v4.1: 10 of 1,612,432 alleles (0.00062%); highest among the groups gnomAD compares: Non-Finnish European, 0.00076%; no homozygotes.

Submissions (2):

Ambry Genetics
Classification: Uncertain significance for Inborn genetic diseases. Last evaluated: 2023-08-07. Review status: criteria provided, single submitter. Criteria: Ambry Variant Classification Scheme 2023. Collection method: clinical testing. Allele origin: germline.
Comment: The c.2481-12A>G intronic alteration results from an A to G substitution 12 nucleotides before coding exon 23 of the MYO1E gene. Based on data from gnomAD, the G allele has an overall frequency of 0.001% (3/282096) total alleles studied. The highest observed frequency was 0.002% (3/128974) of European (non-Finnish) alleles. This variant has been confirmed in trans with a MYO1E pathogenic variant in an individual with clinical features of MYO1E-related focal segmental glomerulosclerosis (Domingo-Gallego, 2022). This nucleotide position is not well conserved in available vertebrate species. In silico splice site analysis predicts that this alteration will weaken the native splice acceptor site and will result in the creation or strengthening of a novel splice acceptor site. Based on insufficient or conflicting evidence, the clinical significance of this alteration remains unclear.

Molecular Biology Laboratory, Fundació Puigvert
Classification: Likely pathogenic for Focal segmental glomerulosclerosis 6. Last evaluated: 2020-02-01. Review status: criteria provided, single submitter. Criteria: ACMG Guidelines, 2015. Collection method: research. Allele origin: paternal. Affected: yes. Study: KidneyPanel_2020.

Literature cited by the submitters: PubMed 33532864 (cited by Ambry Genetics and Molecular Biology Laboratory, Fundació Puigvert).